The following is an entry in ClinVar:

ClinVar aggregate classification (germline): Conflicting classifications of pathogenicity. Review status: criteria provided, conflicting classifications (1 of 4 stars). 6 submissions from 6 submitters: Uncertain significance (4); Likely benign (2). Last evaluated 2026-09-01.

Conditions:
BBS9-related disorder. Also called: BBS9-related condition.
Bardet-Biedl syndrome 9 (BBS9). Identifiers: Orphanet 110, MedGen C1859567, MONDO:0014437, OMIM 615986.
Inborn genetic diseases. Identifiers: MedGen C0950123, MeSH D030342.
Bardet-Biedl syndrome (BBS). Identifiers: Orphanet 110, MedGen C0752166, MONDO:0015229.

Allele frequency attached by ClinVar (database versions not stated): gnomAD exomes 0.00004 and 0.00008; ExAC 0.00011; 1000 Genomes Project 30x 0.00016; 1000 Genomes Project 0.00020; ESP Exome Variant Server 0.00031; gnomAD 0.00031 and 0.00037; TOPMed 0.00039.
gnomAD v4.1: 137 of 1,613,334 alleles (0.0085%); highest among the groups gnomAD compares: African/African-American, 0.14%; 2 homozygotes.

Submissions (6):

CeGaT Center for Human Genetics Tuebingen
Classification: Likely benign. Last evaluated: 2026-09-01. Review status: criteria provided, single submitter. Criteria: CeGaT Center For Human Genetics Tuebingen Variant Classification Criteria Version 2. Collection method: clinical testing. Allele origin: germline. Affected: yes. Observed: 1 variant allele.
Comment: BBS9: BP4

PreventionGenetics, part of Exact Sciences
Classification: Uncertain significance for BBS9-related condition. Last evaluated: 2026-06-01. Review status: criteria provided, single submitter. Criteria: ACMG Guidelines, 2015. Collection method: clinical testing. Allele origin: germline.
Comment: The BBS9 c.2294A>G variant is predicted to result in the amino acid substitution p.Glu765Gly. To our knowledge, this variant has not been reported in the literature. This variant is reported in 0.12% of alleles in individuals of African descent in gnomAD, which may be too common for an undocumented primary cause of disease. Although we suspect that this variant may be benign, the clinical significance of this variant is uncertain at this time due to the absence of conclusive functional and genetic evidence.

Blueprint Genetics
Classification: Likely benign. Last evaluated: 2024-09-07. Review status: criteria provided, single submitter. Criteria: ACMG Guidelines, 2015. Collection method: clinical testing. Allele origin: germline.

Fulgent Genetics
Classification: Uncertain significance for Bardet-Biedl syndrome 9. Last evaluated: 2024-03-27. Review status: criteria provided, single submitter. Criteria: ACMG Guidelines, 2015. Collection method: clinical testing. Allele origin: germline.

Labcorp Genetics (formerly Invitae), Labcorp
Classification: Uncertain significance for Bardet-Biedl syndrome. Last evaluated: 2022-10-24. Review status: criteria provided, single submitter. Criteria: Invitae Variant Classification Sherloc (09022015). Collection method: clinical testing. Allele origin: germline.
Comment: This sequence change replaces glutamic acid, which is acidic and polar, with glycine, which is neutral and non-polar, at codon 765 of the BBS9 protein (p.Glu765Gly). This variant is present in population databases (rs140882212, gnomAD 0.1%). This variant has not been reported in the literature in individuals affected with BBS9-related conditions. ClinVar contains an entry for this variant (Variation ID: 531817). Advanced modeling of protein sequence and biophysical properties (such as structural, functional, and spatial information, amino acid conservation, physicochemical variation, residue mobility, and thermodynamic stability) performed at Invitae indicates that this missense variant is not expected to disrupt BBS9 protein function. In summary, the available evidence is currently insufficient to determine the role of this variant in disease. Therefore, it has been classified as a Variant of Uncertain Significance.

Ambry Genetics
Classification: Uncertain significance for Inborn genetic diseases. Last evaluated: 2021-09-01. Review status: criteria provided, single submitter. Criteria: Ambry Variant Classification Scheme 2023. Collection method: clinical testing. Allele origin: germline.

NM_198428.3(BBS9):c.2294A>G (p.Glu765Gly)

Gene: BBS9 (Bardet-Biedl syndrome 9; plus strand). Cytogenetic location: 7p14.3.
Variant type: single nucleotide variant.
Coding change: c.2294A>G on transcript NM_198428.3 (MANE Select); coding-DNA position 2294, A replaced by G.
Protein change: p.Glu765Gly; replaces glutamic acid 765 with glycine.
Molecular consequence: missense variant. On other transcripts: non-coding transcript variant (3), intron variant (1).
Genome position (GRCh38, 1-based): chr7:33,505,641, A>G. VCF-style: chr7-33505641-A-G. GRCh37 (hg19) VCF-style: chr7-33545253-A-G.
Other names: c.2189A>G, p.Glu730Gly (NM_001033604.2); c.2279A>G, p.Glu760Gly (NM_001033605.2); c.2294A>G, p.Glu765Gly (NM_001348036.1, NM_001348041.4, NM_001348043.3 and 1 more transcripts); c.2021A>G, p.Glu674Gly (NM_001348038.3); c.1916A>G, p.Glu639Gly (NM_001348039.3); c.2174A>G, p.Glu725Gly (NM_001348040.3, NM_014451.4); c.2159A>G, p.Glu720Gly (NM_001348042.3); c.1823A>G, p.Glu608Gly (NM_001348044.3); and 2 more; short protein forms E765G, E608G, E725G, E674G, E720G, E730G, E639G, E643G.
Identifiers: ClinVar variation 531817 (VCV000531817.14), dbSNP rs140882212, ClinGen allele CA4214647.